The following is an entry in ClinVar:

NM_001283009.2(RTEL1):c.3281A>G (p.Lys1094Arg)

Genes: RTEL1 (regulator of telomere elongation helicase 1; plus strand), RTEL1-TNFRSF6B (RTEL1-TNFRSF6B readthrough (NMD candidate); plus strand). Cytogenetic location: 20q13.33.
Variant type: single nucleotide variant.
Coding change: c.3281A>G on transcript NM_001283009.2 (MANE Select); coding-DNA position 3281, A replaced by G.
Protein change: p.Lys1094Arg; replaces lysine 1094 with arginine.
Molecular consequence: missense variant. On other transcripts: non-coding transcript variant (1).
Genome position (GRCh38, 1-based): chr20:63,694,912, A>G. VCF-style: chr20-63694912-A-G. GRCh37 (hg19) VCF-style: chr20-62326265-A-G.
Other names: c.2612A>G, p.Lys871Arg (NM_001283010.1); c.3281A>G, p.Lys1094Arg (NM_016434.4); c.3353A>G, p.Lys1118Arg (NM_032957.5); short protein forms K871R, K1094R, K1118R.
Identifiers: ClinVar variation 3791189 (VCV003791189.1).

ClinVar aggregate classification (germline): Uncertain significance (1 of 4 stars; one submission).

Conditions:
Inborn genetic diseases. Identifiers: MedGen C0950123, MeSH D030342.

gnomAD v4.1: 2 of 1,612,598 alleles (0.00012%); highest among the groups gnomAD compares: Non-Finnish European, 0.00017%; no homozygotes.

Submission:

Ambry Genetics
Classification: Uncertain significance for Inborn genetic diseases. Last evaluated: 2025-03-01. Review status: criteria provided, single submitter. Criteria: Ambry Variant Classification Scheme 2023. Collection method: clinical testing. Allele origin: germline.
Comment: The p.K1094R variant (also known as c.3281A>G), located in coding exon 31 of the RTEL1 gene, results from an A to G substitution at nucleotide position 3281. The lysine at codon 1094 is replaced by arginine, an amino acid with highly similar properties. This amino acid position is conserved. In addition, the in silico prediction for this alteration is inconclusive. Based on the available evidence, the clinical significance of this variant remains unclear.